The following is an entry in ClinVar:

ClinVar aggregate classification (germline): Uncertain significance. Review status: criteria provided, multiple submitters, no conflicts (2 of 4 stars). 2 submissions from 2 submitters: Uncertain significance (2). Last evaluated 2025-06-22.

Conditions:
Inborn genetic diseases. Identifiers: MedGen C0950123, MeSH D030342.

gnomAD v4.1: 68 of 1,613,084 alleles (0.0042%); highest among the groups gnomAD compares: Non-Finnish European, 0.0053%; no homozygotes.

Submissions (2):

Ambry Genetics
Classification: Uncertain significance for Inborn genetic diseases. Last evaluated: 2025-06-22. Review status: criteria provided, single submitter. Criteria: Ambry Variant Classification Scheme 2023. Collection method: clinical testing. Allele origin: germline.

GeneDx
Classification: Uncertain significance. Last evaluated: 2024-09-04. Review status: criteria provided, single submitter. Criteria: GeneDx Variant Classification Process June 2021. Collection method: clinical testing. Allele origin: germline. Affected: yes.
Comment: In silico analysis supports that this missense variant has a deleterious effect on protein structure/function; Has not been previously published as pathogenic or benign to our knowledge

NM_001384140.1(PCDH15):c.2227G>C (p.Asp743His)

Gene: PCDH15 (protocadherin related 15; minus strand). Cytogenetic location: 10q21.1.
Variant type: single nucleotide variant.
Coding change: c.2227G>C on transcript NM_001384140.1 (MANE Select); coding-DNA position 2227, G replaced by C.
Protein change: p.Asp743His; replaces aspartic acid 743 with histidine.
Molecular consequence: missense variant.
Genome position (GRCh38, 1-based): chr10:54,023,191, C>G on the plus strand (G>C on the coding strand, the complement: PCDH15 is on the minus strand). VCF-style: chr10-54023191-C-G. GRCh37 (hg19) VCF-style: chr10-55782951-C-G.
Other names: c.2242G>C, p.Asp748His (NM_001142763.2, NM_001142771.2); c.2227G>C, p.Asp743His (NM_001142764.2, NM_001142766.2, NM_001142770.3 and 5 more transcripts); c.2014G>C, p.Asp672His (NM_001142765.2); c.2116G>C, p.Asp706His (NM_001142767.2); c.2161G>C, p.Asp721His (NM_001142768.2, NM_001142773.2, NM_001354404.2); c.2263G>C, p.Asp755His (NM_001142769.4); c.2248G>C, p.Asp750His (NM_001354411.2); short protein forms D672H, D706H, D721H, D743H, D748H, D750H, D755H.
Identifiers: ClinVar variation 3767687 (VCV003767687.2).